The following is an entry in ClinVar:

NM_001482.3(GATM):c.387A>T (p.Glu129Asp)

Gene: GATM (glycine amidinotransferase; minus strand). Cytogenetic location: 15q21.1.
Variant type: single nucleotide variant.
Coding change: c.387A>T on transcript NM_001482.3 (MANE Select); coding-DNA position 387, A replaced by T.
Protein change: p.Glu129Asp; replaces glutamic acid 129 with aspartic acid.
Molecular consequence: missense variant. On other transcripts: 5 prime UTR variant (1).
Genome position (GRCh38, 1-based): chr15:45,369,423, T>A on the plus strand (A>T on the coding strand, the complement: GATM is on the minus strand). VCF-style: chr15-45369423-T-A. GRCh37 (hg19) VCF-style: chr15-45661621-T-A.
Other names: c.-1A>T (NM_001321015.2); short protein forms E129D.
Identifiers: ClinVar variation 469138 (VCV000469138.9), dbSNP rs756420233, ClinGen allele CA392261829.

ClinVar aggregate classification (germline): Uncertain significance (1 of 4 stars; one submission).

Conditions:
Arginine:glycine amidinotransferase deficiency (CCDS3). Also called: AGAT deficiency; L-Arginine:Glycine Amidinotransferase Deficiency; Creatine deficiency syndrome due to AGAT deficiency; GATM deficiency; L-Arginine:Glycine Amidinotransferase (AGAT) Deficiency; Cerebral creatine deficiency syndrome 3. Identifiers: Orphanet 35704, MedGen C2675179, MONDO:0012996, OMIM 612718.

gnomAD v4.1: 1 of 1,614,156 alleles (0.000062%); highest among the groups gnomAD compares: Non-Finnish European, 0.000085%; no homozygotes.

Submission:

Labcorp Genetics (formerly Invitae), Labcorp
Classification: Uncertain significance for Arginine:glycine amidinotransferase deficiency. Last evaluated: 2024-08-06. Review status: criteria provided, single submitter. Criteria: Invitae Variant Classification Sherloc (09022015). Collection method: clinical testing. Allele origin: germline.
Comment: This sequence change replaces glutamic acid, which is acidic and polar, with aspartic acid, which is acidic and polar, at codon 129 of the GATM protein (p.Glu129Asp). This variant is not present in population databases (gnomAD no frequency). This variant has not been reported in the literature in individuals affected with GATM-related conditions. ClinVar contains an entry for this variant (Variation ID: 469138). Advanced modeling of protein sequence and biophysical properties (such as structural, functional, and spatial information, amino acid conservation, physicochemical variation, residue mobility, and thermodynamic stability) performed at Invitae indicates that this missense variant is not expected to disrupt GATM protein function with a negative predictive value of 80%. In summary, the available evidence is currently insufficient to determine the role of this variant in disease. Therefore, it has been classified as a Variant of Uncertain Significance.